The following is an entry in ClinVar:

ClinVar aggregate classification (germline): Conflicting classifications of pathogenicity. Review status: criteria provided, conflicting classifications (1 of 4 stars). 4 submissions from 4 submitters: Pathogenic (1); Uncertain significance (3). Last evaluated 2026-02-27.

Conditions:
HNF1B-related disorder. Also called: HNF1B-related condition; HNF1B-related disorders.

Submissions (4):

PreventionGenetics, part of Exact Sciences
Classification: Uncertain significance for HNF1B-related condition. Last evaluated: 2026-02-27. Review status: criteria provided, single submitter. Criteria: ACMG Guidelines, 2015. Collection method: clinical testing. Allele origin: germline.
Comment: The HNF1B c.913A>G variant is predicted to result in the amino acid substitution p.Lys305Glu. This variant was reported in an individual from a suspected monogenic diabetes cohort (Supplemental Table 1 in Breidbart et al. 2021. PubMed ID: 33852230). This variant has not been reported in a large population database (gnomAD), indicating this variant is rare. Although we suspect that this variant may be pathogenic, at this time, the clinical significance of this variant is uncertain due to the absence of conclusive functional and genetic evidence.

Labcorp Genetics (formerly Invitae), Labcorp
Classification: Pathogenic. Last evaluated: 2025-03-19. Review status: criteria provided, single submitter. Criteria: Invitae Variant Classification Sherloc (09022015). Collection method: clinical testing. Allele origin: germline.
Comment: This sequence change replaces lysine, which is basic and polar, with glutamic acid, which is acidic and polar, at codon 305 of the HNF1B protein (p.Lys305Glu). This variant is not present in population databases (gnomAD no frequency). This missense change has been observed in individual(s) with clinical features of HNF1B-related conditions (PMID: 33852230; internal data). It has also been observed to segregate with disease in related individuals. ClinVar contains an entry for this variant (Variation ID: 1342779). Invitae Evidence Modeling of protein sequence and biophysical properties (such as structural, functional, and spatial information, amino acid conservation, physicochemical variation, residue mobility, and thermodynamic stability) indicates that this missense variant is not expected to disrupt HNF1B protein function with a negative predictive value of 80%. For these reasons, this variant has been classified as Pathogenic.

Women's Health and Genetics/Laboratory Corporation of America, LabCorp
Classification: Uncertain significance. Last evaluated: 2024-10-29. Review status: criteria provided, single submitter. Criteria: LabCorp Variant Classification Summary - May 2015. Collection method: clinical testing. Allele origin: germline.
Comment: Variant summary: HNF1B c.913A>G (p.Lys305Glu) results in a conservative amino acid change located in the Homeodomain (IPR001356) of the encoded protein sequence. Four of five in-silico tools predict a damaging effect of the variant on protein function. The variant was absent in 251476 control chromosomes. c.913A>G has been reported in the literature in individuals affected with Maturity Onset Diabetes Of The Young 5 and related conditions (Breidbart_2021, internal data). These data indicate that the variant may be associated with disease. To our knowledge, no experimental evidence demonstrating an impact on protein function has been reported. The following publications have been ascertained in the context of this evaluation (PMID: 33852230). ClinVar contains an entry for this variant (Variation ID: 1342779). Based on the evidence outlined above, the variant was classified as VUS-possibly pathogenic.

GeneDx
Classification: Uncertain significance. Last evaluated: 2023-12-05. Review status: criteria provided, single submitter. Criteria: GeneDx Variant Classification Process June 2021. Collection method: clinical testing. Allele origin: germline. Affected: yes.
Comment: Has been observed in a patient with MODY in the published literature; additional specific details regarding the diagnosis and renal clinical features were not specified in this report (PMID: 33852230); Not observed at significant frequency in large population cohorts (gnomAD); In silico analysis supports that this missense variant has a deleterious effect on protein structure/function; This variant is associated with the following publications: (PMID: 17924661, 33852230)

Literature cited by the submitters: PubMed 33852230 (cited by Labcorp Genetics (formerly Invitae), Labcorp and Women's Health and Genetics/Laboratory Corporation of America, LabCorp).

NM_000458.4(HNF1B):c.913A>G (p.Lys305Glu)

Gene: HNF1B (HNF1 homeobox B; minus strand). Cytogenetic location: 17q12.
Variant type: single nucleotide variant.
Coding change: c.913A>G on transcript NM_000458.4 (MANE Select); coding-DNA position 913, A replaced by G.
Protein change: p.Lys305Glu; replaces lysine 305 with glutamic acid.
Molecular consequence: missense variant.
Genome position (GRCh38, 1-based): chr17:37,731,727, T>C on the plus strand (A>G on the coding strand, the complement: HNF1B is on the minus strand). VCF-style: chr17-37731727-T-C. GRCh37 (hg19) VCF-style: chr17-36091718-T-C.
Other names: c.913A>G (NM_000458.3); c.835A>G, p.Lys279Glu (NM_001165923.4, NM_001304286.2); short protein forms K279E, K305E.
Identifiers: ClinVar variation 1342779 (VCV001342779.10), dbSNP rs2147545316, ClinGen allele CA398746743.